The following is an entry in ClinVar:

ClinVar aggregate classification (germline): Uncertain significance (1 of 4 stars; one submission).

gnomAD v4.1: 1 of 1,614,170 alleles (0.000062%); highest among the groups gnomAD compares: Non-Finnish European, 0.000085%; no homozygotes.

Submission:

GeneDx
Classification: Uncertain significance. Last evaluated: 2026-03-27. Review status: criteria provided, single submitter. Criteria: GeneDx Variant Classification Process June 2021. Collection method: clinical testing. Allele origin: germline.
Comment: Not observed at significant frequency in large population cohorts (gnomAD); In silico analysis suggests that this missense variant does not alter protein structure/function; Has not been previously published as pathogenic or benign to our knowledge

NM_002232.5(KCNA3):c.965C>T (p.Thr322Ile)

Gene: KCNA3 (potassium voltage-gated channel subfamily A member 3; minus strand). Cytogenetic location: 1p13.3.
Variant type: single nucleotide variant.
Coding change: c.965C>T on transcript NM_002232.5 (MANE Select); coding-DNA position 965, C replaced by T.
Protein change: p.Thr322Ile; replaces threonine 322 with isoleucine.
Molecular consequence: missense variant.
Genome position (GRCh38, 1-based): chr1:110,673,845, G>A on the plus strand (C>T on the coding strand, the complement: KCNA3 is on the minus strand). VCF-style: chr1-110673845-G-A. GRCh37 (hg19) VCF-style: chr1-111216467-G-A.
Other names: short protein forms T322I.
Identifiers: ClinVar variation 5017673 (VCV005017673.1).
Genomic context (GRCh38, chr1:110,673,845, plus strand): 5'-GTGATAAAATAAGGAATGATGGCCACAATGTCGATCAGGTTCATGATGTTTCGCGAGAAG[G>A]TGGCTTTGCTAGGACAAGCGAAGAACCGCACCAGCAGTTCGAAGGAGAACCAGATGATGC-3'
Protein context (NP_002223.3, residues 312-332): VRFFACPSKA[Thr322Ile]FSRNIMNLID